The following is an entry in ClinVar:

ClinVar aggregate classification (germline): Uncertain significance. Review status: criteria provided, multiple submitters, no conflicts (2 of 4 stars). 3 submissions from 3 submitters: Uncertain significance (2). 1 of the submissions does not count toward it. Last evaluated 2025-11-05.

Conditions:
Ehlers-Danlos syndrome, classic type, 2 (EDSCL2). Also called: Ehlers-Danlos syndrome type 2 (formerly); Ehlers-Danlos syndrome, type 2; Ehlers-Danlos Syndrome, Classic Type, COL5A2-Related. Identifiers: Orphanet 287, Orphanet 90318, MedGen C0268336, MONDO:0019568, OMIM 130010.
Ehlers-Danlos syndrome, classic type, 1 (EDSCL1). Also called: EHLERS-DANLOS SYNDROME, GRAVIS TYPE; EHLERS-DANLOS SYNDROME, SEVERE CLASSIC TYPE; Ehlers-Danlos syndrome, type 1; Ehlers-Danlos Syndrome, Classic Type, COL5A1-Related; EDS I. Identifiers: MedGen C0268335, MONDO:0019567, OMIM 130000.

gnomAD v4.1: 1 of 1,582,670 alleles (0.000063%); highest among the groups gnomAD compares: Non-Finnish European, 0.000086%; no homozygotes.

Submissions (3):

Labcorp Genetics (formerly Invitae), Labcorp
Classification: Uncertain significance for Ehlers-Danlos syndrome, classic type, 1. Last evaluated: 2025-11-05. Review status: criteria provided, single submitter. Criteria: Invitae Variant Classification Sherloc (09022015). Collection method: clinical testing. Allele origin: germline.
Comment: This sequence change replaces proline, which is neutral and non-polar, with arginine, which is basic and polar, at codon 220 of the COL5A2 protein (p.Pro220Arg). This variant is present in population databases (no rsID available, gnomAD 0.001%). This variant has not been reported in the literature in individuals affected with COL5A2-related conditions. ClinVar contains an entry for this variant (Variation ID: 2664068). Invitae Evidence Modeling of protein sequence and biophysical properties (such as structural, functional, and spatial information, amino acid conservation, physicochemical variation, residue mobility, and thermodynamic stability) has been performed for this missense variant. However, the output from this modeling did not meet the statistical confidence thresholds required to predict the impact of this variant on COL5A2 protein function. In summary, the available evidence is currently insufficient to determine the role of this variant in disease. Therefore, it has been classified as a Variant of Uncertain Significance.

GeneDx
Classification: Uncertain significance. Last evaluated: 2025-07-16. Review status: criteria provided, single submitter. Criteria: GeneDx Variant Classification Process June 2021. Collection method: clinical testing. Allele origin: germline. Affected: yes.
Comment: Not observed at significant frequency in large population cohorts (gnomAD); In silico analysis supports that this missense variant has a deleterious effect on protein structure/function; Has not been previously published as pathogenic or benign to our knowledge

Zotz-Klimas Genetics Lab, MVZ Zotz Klimas
Classification: Uncertain significance for Ehlers-Danlos syndrome, classic type, 2. Last evaluated: 2023-11-24. Review status: no assertion criteria provided. Collection method: clinical testing. Allele origin: germline. Affected: yes. Not counted in ClinVar's aggregate classification.

NM_000393.5(COL5A2):c.659C>G (p.Pro220Arg)

Gene: COL5A2 (collagen type V alpha 2 chain; minus strand). Cytogenetic location: 2q32.2.
Variant type: single nucleotide variant.
Coding change: c.659C>G on transcript NM_000393.5 (MANE Select); coding-DNA position 659, C replaced by G.
Protein change: p.Pro220Arg; replaces proline 220 with arginine.
Molecular consequence: missense variant.
Genome position (GRCh38, 1-based): chr2:189,086,757, G>C on the plus strand (C>G on the coding strand, the complement: COL5A2 is on the minus strand). VCF-style: chr2-189086757-G-C. GRCh37 (hg19) VCF-style: chr2-189951483-G-C.
Other names: c.659C>G (NM_000393.3); short protein forms P220R.
Identifiers: ClinVar variation 2664068 (VCV002664068.3), dbSNP rs1274066313, ClinGen allele CA349859037.